The following is an entry in ClinVar:

ClinVar aggregate classification (germline): Uncertain significance. Review status: criteria provided, multiple submitters, no conflicts (2 of 4 stars). 2 submissions from 2 submitters: Uncertain significance (2). Last evaluated 2025-12-01.

Conditions:
FLNA-related disorder.
Oto-palato-digital syndrome, type II (OPD2). Also called: Otopalatodigital Syndrome Type 2 (FLNA-OPD2); Otopalatodigital Syndrome, Type II; FACIOPALATOOSSEOUS SYNDROME; OPD II SYNDROME. Identifiers: Orphanet 669, Orphanet 90652, MedGen C1844696, MONDO:0010571, OMIM 304120.
Frontometaphyseal dysplasia (FMD1). Identifiers: Orphanet 1826, MedGen C0265293, MONDO:0015942.
Melnick-Needles syndrome (MNS). Also called: Melnick-Needles Syndrome (FLNA-MNS); MELNICK-NEEDLES OSTEODYSPLASTY; OSTEODYSPLASTY OF MELNICK AND NEEDLES. Identifiers: Orphanet 2484, MedGen C0025237, MONDO:0010650, OMIM 309350.
Heterotopia, periventricular, X-linked dominant (PVNH1). Also called: PERIVENTRICULAR NODULAR HETEROTOPIA 4; HETEROTOPIA, PERIVENTRICULAR, 1; X-linked periventricular heterotopia; PERIVENTRICULAR NODULAR HETEROTOPIA 1. Identifiers: Orphanet 2149, Orphanet 82004, MedGen C1848213, MONDO:0010233, OMIM 300049.

Allele frequency attached by ClinVar (database versions not stated): gnomAD 0.00001.
gnomAD v4.1: 1 of 1,207,088 alleles (0.000083%); highest among the groups gnomAD compares: Admixed American, 0.0022%; no homozygotes.

Submissions (2):

Labcorp Genetics (formerly Invitae), Labcorp
Classification: Uncertain significance for Oto-palato-digital syndrome, type II; Heterotopia, periventricular, X-linked dominant; Frontometaphyseal dysplasia; Melnick-Needles syndrome. Last evaluated: 2025-12-01. Review status: criteria provided, single submitter. Criteria: Invitae Variant Classification Sherloc (09022015). Collection method: clinical testing. Allele origin: germline.
Comment: This sequence change replaces aspartic acid, which is acidic and polar, with glutamic acid, which is acidic and polar, at codon 673 of the FLNA protein (p.Asp673Glu). This variant is not present in population databases (gnomAD no frequency). This variant has not been reported in the literature in individuals affected with FLNA-related conditions. ClinVar contains an entry for this variant (Variation ID: 2162112). Invitae Evidence Modeling of protein sequence and biophysical properties (such as structural, functional, and spatial information, amino acid conservation, physicochemical variation, residue mobility, and thermodynamic stability) indicates that this missense variant is not expected to disrupt FLNA protein function with a negative predictive value of 95%. In summary, the available evidence is currently insufficient to determine the role of this variant in disease. Therefore, it has been classified as a Variant of Uncertain Significance.

PreventionGenetics, part of Exact Sciences
Classification: Uncertain significance for FLNA-related condition. Last evaluated: 2023-03-16. Review status: criteria provided, single submitter. Criteria: ACMG Guidelines, 2015. Collection method: clinical testing. Allele origin: germline.
Comment: The FLNA c.2019C>A variant is predicted to result in the amino acid substitution p.Asp673Glu. To our knowledge, this variant has not been reported in the literature or in a large population database, indicating this variant is rare. At this time, the clinical significance of this variant is uncertain due to the absence of conclusive functional and genetic evidence.

NM_001110556.2(FLNA):c.2019C>A (p.Asp673Glu)

Gene: FLNA (filamin A; minus strand). Cytogenetic location: Xq28.
Variant type: single nucleotide variant.
Coding change: c.2019C>A on transcript NM_001110556.2 (MANE Select); coding-DNA position 2019, C replaced by A.
Protein change: p.Asp673Glu; replaces aspartic acid 673 with glutamic acid.
Molecular consequence: missense variant.
Genome position (GRCh38, 1-based): chrX:154,364,529, G>T on the plus strand (C>A on the coding strand, the complement: FLNA is on the minus strand). VCF-style: chrX-154364529-G-T. GRCh37 (hg19) VCF-style: chrX-153592897-G-T.
Other names: c.2019C>A, p.Asp673Glu (NM_001456.4); c.2019C>A (NM_001110556.1); short protein forms D673E.
Identifiers: ClinVar variation 2162112 (VCV002162112.5), dbSNP rs1557178734, ClinGen allele CA415241078.